The following is an entry in ClinVar:

NM_013382.7(POMT2):c.248+20C>G

Genes: POMT2 (protein O-mannosyltransferase 2; minus strand), LOC130056176 (ATAC-STARR-seq lymphoblastoid silent region 5969; plus strand). Cytogenetic location: 14q24.3.
Variant type: single nucleotide variant.
Coding change: c.248+20C>G on transcript NM_013382.7 (MANE Select); 20 bases into the intron after coding-DNA position 248, C replaced by G.
Molecular consequence: intron variant.
Genome position (GRCh38, 1-based): chr14:77,320,414, G>C on the plus strand (C>G on the coding strand, the complement: POMT2 is on the minus strand). VCF-style: chr14-77320414-G-C. GRCh37 (hg19) VCF-style: chr14-77786757-G-C.
Identifiers: ClinVar variation 517911 (VCV000517911.5), dbSNP rs1471456899, ClinGen allele CA615480016.

ClinVar aggregate classification (germline): Likely benign. Review status: criteria provided, multiple submitters, no conflicts (2 of 4 stars). 2 submissions from 2 submitters: Likely benign (2). Last evaluated 2024-11-10.

Conditions:
Muscular dystrophy-dystroglycanopathy (congenital with impaired intellectual development), type B, 2. Also called: Muscular dystrophy-dystroglycanopathy (congenital with intellectual disability), type B2; MUSCULAR DYSTROPHY, CONGENITAL, POMT2-RELATED. Identifiers: MedGen C3150416, MONDO:0013160, OMIM 613156.
Autosomal recessive limb-girdle muscular dystrophy type 2N. Also called: Muscular dystrophy-dystroglycanopathy (limb-girdle), type C, 2; MUSCULAR DYSTROPHY-DYSTROGLYCANOPATHY, LIMB-GIRDLE, POMT2-RELATED. Identifiers: Orphanet 206559, MedGen C3150418, MONDO:0013162, OMIM 613158.
Muscular dystrophy-dystroglycanopathy (congenital with brain and eye anomalies), type A2. Also called: MUSCULAR DYSTROPHY-DYSTROGLYCANOPATHY (CONGENITAL WITH BRAIN AND EYE ANOMALIES), TYPE A, 2; WALKER-WARBURG SYNDROME OR MUSCLE-EYE-BRAIN DISEASE, POMT2-RELATED. Identifiers: Orphanet 588, Orphanet 899, MedGen C3150411, MONDO:0013154, OMIM 613150.

Allele frequency attached by ClinVar (database versions not stated): TOPMed 0.00006; gnomAD 0.00001.
gnomAD v4.1: 40 of 1,545,754 alleles (0.0026%); highest among the groups gnomAD compares: Admixed American, 0.0039%; no homozygotes.

Submissions (2):

Labcorp Genetics (formerly Invitae), Labcorp
Classification: Likely benign for Muscular dystrophy-dystroglycanopathy (congenital with impaired intellectual development), type B, 2; Muscular dystrophy-dystroglycanopathy (congenital with brain and eye anomalies), type A2; Autosomal recessive limb-girdle muscular dystrophy type 2N. Last evaluated: 2024-11-10. Review status: criteria provided, single submitter. Criteria: Invitae Variant Classification Sherloc (09022015). Collection method: clinical testing. Allele origin: germline.

GeneDx
Classification: Likely benign. Last evaluated: 2017-06-09. Review status: criteria provided, single submitter. Criteria: GeneDx Variant Classification (06012015). Collection method: clinical testing. Allele origin: germline. Affected: yes.
Comment: This variant is considered likely benign or benign based on one or more of the following criteria: it is a conservative change, it occurs at a poorly conserved position in the protein, it is predicted to be benign by multiple in silico algorithms, and/or has population frequency not consistent with disease.